The following is an entry in ClinVar:

ClinVar aggregate classification (germline): Likely benign. Review status: criteria provided, multiple submitters, no conflicts (2 of 4 stars). 6 submissions from 6 submitters: Likely benign (6). Last evaluated 2026-07-01.

Conditions:
Ullrich congenital muscular dystrophy 2 (UCMD2). Identifiers: Orphanet 75840, MedGen C4225314, MONDO:0014654, OMIM 616470.
Bethlem myopathy 2 (BTHLM2). Identifiers: Orphanet 536516, Orphanet 610, MedGen C4225313, MONDO:0034022, OMIM 616471.

Allele frequency attached by ClinVar (database versions not stated): ESP Exome Variant Server 0.00008; gnomAD 0.00014; gnomAD exomes 0.00015 and 0.00021; TOPMed 0.00015; ExAC 0.00023.

Submissions (6):

CeGaT Center for Human Genetics Tuebingen
Classification: Likely benign. Last evaluated: 2026-07-01. Review status: criteria provided, single submitter. Criteria: CeGaT Center For Human Genetics Tuebingen Variant Classification Criteria Version 2. Collection method: clinical testing. Allele origin: germline. Affected: yes. Observed: 2 variant alleles.
Comment: COL12A1: BP4, BP7

Labcorp Genetics (formerly Invitae), Labcorp
Classification: Likely benign for Bethlem myopathy 2; Ullrich congenital muscular dystrophy 2. Last evaluated: 2025-12-01. Review status: criteria provided, single submitter. Criteria: Invitae Variant Classification Sherloc (09022015). Collection method: clinical testing. Allele origin: germline.

Women's Health and Genetics/Laboratory Corporation of America, LabCorp
Classification: Likely benign. Last evaluated: 2025-05-23. Review status: criteria provided, single submitter. Criteria: LabCorp Variant Classification Summary - May 2015. Collection method: clinical testing. Allele origin: germline.

Blueprint Genetics
Classification: Likely benign. Last evaluated: 2024-11-05. Review status: criteria provided, single submitter. Criteria: ACMG Guidelines, 2015. Collection method: clinical testing. Allele origin: germline.

Breakthrough Genomics
Classification: Likely benign. Review status: criteria provided, single submitter. Criteria: ACMG Guidelines, 2015. Collection method: not provided. Allele origin: germline. Inheritance: Autosomal recessive inheritance. Affected: yes.

PreventionGenetics, part of Exact Sciences
Classification: Likely benign. Review status: criteria provided, single submitter. Criteria: ACMG Guidelines, 2015. Collection method: clinical testing. Allele origin: germline.

NM_004370.6(COL12A1):c.4479G>A (p.Gln1493=)

Gene: COL12A1 (collagen type XII alpha 1 chain; minus strand). Cytogenetic location: 6q13.
Variant type: single nucleotide variant.
Coding change: c.4479G>A on transcript NM_004370.6 (MANE Select); coding-DNA position 4479, G replaced by A.
Protein change: p.Gln1493=; no amino-acid change (glutamine 1493 retained).
Molecular consequence: synonymous variant.
Genome position (GRCh38, 1-based): chr6:75,146,183, C>T on the plus strand (G>A on the coding strand, the complement: COL12A1 is on the minus strand). VCF-style: chr6-75146183-C-T. GRCh37 (hg19) VCF-style: chr6-75855899-C-T.
Other names: c.987G>A, p.Gln329= (NM_080645.3).
Identifiers: ClinVar variation 259332 (VCV000259332.27), dbSNP rs370024636, ClinGen allele CA3893437.